The following is an entry in ClinVar:

NM_004612.4(TGFBR1):c.1249A>G (p.Ile417Val)

Gene: TGFBR1 (transforming growth factor beta receptor 1; plus strand). Cytogenetic location: 9q22.33.
Variant type: single nucleotide variant.
Coding change: c.1249A>G on transcript NM_004612.4 (MANE Select); coding-DNA position 1249, A replaced by G.
Protein change: p.Ile417Val; replaces isoleucine 417 with valine.
Molecular consequence: missense variant.
Genome position (GRCh38, 1-based): chr9:99,146,603, A>G. VCF-style: chr9-99146603-A-G. GRCh37 (hg19) VCF-style: chr9-101908885-A-G.
Other names: c.1018A>G, p.Ile340Val (NM_001130916.3, NM_001407435.1); c.1261A>G, p.Ile421Val (NM_001306210.2); c.1093A>G, p.Ile365Val (NM_001407416.1); c.1081A>G, p.Ile361Val (NM_001407417.1); c.1054A>G, p.Ile352Val (NM_001407418.1, NM_001407419.1, NM_001407420.1 and 1 more transcripts); c.1042A>G, p.Ile348Val (NM_001407423.1, NM_001407424.1, NM_001407425.1 and 8 more transcripts); c.1003A>G, p.Ile335Val (NM_001407436.1); c.541A>G, p.Ile181Val (NM_001407437.1); and 1 more; short protein forms I335V, I361V, I417V, I258V, I348V, I340V, I181V, I352V.
Identifiers: ClinVar variation 1760160 (VCV001760160.4), dbSNP rs764050602, ClinGen allele CA040011.

ClinVar aggregate classification (germline): Uncertain significance. Review status: criteria provided, multiple submitters, no conflicts (2 of 4 stars). 3 submissions from 3 submitters: Uncertain significance (3). Last evaluated 2025-08-30.

Conditions:
Familial thoracic aortic aneurysm and aortic dissection (TAAD). Also called: Thoracic aortic aneurysms and dissections. Identifiers: Orphanet 91387, MedGen C4707243, MONDO:0019625.

Allele frequency attached by ClinVar (database versions not stated): ExAC 0.00001; gnomAD 0.00001.
gnomAD v4.1: 12 of 1,613,822 alleles (0.00074%); highest among the groups gnomAD compares: Non-Finnish European, 0.001%; no homozygotes.

Submissions (3):

Color Diagnostics, LLC DBA Color Health
Classification: Uncertain significance for Familial thoracic aortic aneurysm and aortic dissection. Last evaluated: 2025-08-30. Review status: criteria provided, single submitter. Criteria: ACMG Guidelines, 2015. Collection method: clinical testing. Allele origin: germline.
Comment: This missense variant replaces isoleucine with valine at codon 417 of the TGFBR1 protein. Computational prediction suggests that this variant may not impact protein structure and function. To our knowledge, functional studies have not been reported for this variant. This variant has not been reported in individuals affected with TGFBR1-related disorders in the literature. This variant has been identified in 1/251162 chromosomes in the general population by the Genome Aggregation Database (gnomAD). The available evidence is insufficient to determine the role of this variant in disease conclusively. Therefore, this variant is classified as a Variant of Uncertain Significance.

GeneDx
Classification: Uncertain significance. Last evaluated: 2025-06-23. Review status: criteria provided, single submitter. Criteria: GeneDx Variant Classification Process June 2021. Collection method: clinical testing. Allele origin: germline. Affected: yes.
Comment: Not observed at significant frequency in large population cohorts (gnomAD); In silico analysis suggests that this missense variant does not alter protein structure/function; Has not been previously published as pathogenic or benign to our knowledge

Ambry Genetics
Classification: Uncertain significance for Familial thoracic aortic aneurysm and aortic dissection. Last evaluated: 2022-06-12. Review status: criteria provided, single submitter. Criteria: Ambry Variant Classification Scheme 2023. Collection method: clinical testing. Allele origin: germline.
Comment: The p.I417V variant (also known as c.1249A>G), located in coding exon 7 of the TGFBR1 gene, results from an A to G substitution at nucleotide position 1249. The isoleucine at codon 417 is replaced by valine, an amino acid with highly similar properties. This amino acid position is conserved. In addition, this alteration is predicted to be tolerated by in silico analysis. Since supporting evidence is limited at this time, the clinical significance of this alteration remains unclear.